The following is an entry in ClinVar:

ClinVar aggregate classification (germline): Likely benign. Review status: criteria provided, multiple submitters, no conflicts (2 of 4 stars). 3 submissions from 3 submitters: Likely benign (3). Last evaluated 2025-04-01.

Conditions:
Cardiovascular phenotype. Identifiers: MedGen CN230736.
Autosomal recessive limb-girdle muscular dystrophy type 2J (LGMDR10). Also called: Limb-girdle muscular dystrophy, type 2J; MUSCULAR DYSTROPHY, LIMB-GIRDLE, AUTOSOMAL RECESSIVE 10. Identifiers: Orphanet 140922, MedGen C1837342, MONDO:0012127, OMIM 608807.
Dilated cardiomyopathy 1G (CMD1G). Identifiers: Orphanet 154, MedGen C1858763, MONDO:0011400, OMIM 604145.

Allele frequency attached by ClinVar (database versions not stated): gnomAD exomes below 0.00001; TOPMed below 0.00001; gnomAD 0.00001.
gnomAD v4.1: 3 of 1,613,330 alleles (0.00019%); highest among the groups gnomAD compares: Non-Finnish European, 0.00025%; no homozygotes.

Submissions (3):

CeGaT Center for Human Genetics Tuebingen
Classification: Likely benign. Last evaluated: 2025-04-01. Review status: criteria provided, single submitter. Criteria: CeGaT Center For Human Genetics Tuebingen Variant Classification Criteria Version 2. Collection method: clinical testing. Allele origin: germline. Affected: yes. Observed: 1 variant allele.
Comment: TTN: BP4

Labcorp Genetics (formerly Invitae), Labcorp
Classification: Likely benign for Dilated cardiomyopathy 1G; Autosomal recessive limb-girdle muscular dystrophy type 2J. Last evaluated: 2024-05-29. Review status: criteria provided, single submitter. Criteria: Invitae Variant Classification Sherloc (09022015). Collection method: clinical testing. Allele origin: germline.

Ambry Genetics
Classification: Likely benign for Cardiovascular phenotype. Last evaluated: 2022-05-17. Review status: criteria provided, single submitter. Criteria: Ambry Variant Classification Scheme 2023. Collection method: clinical testing. Allele origin: germline.

NM_001267550.2(TTN):c.59445C>T (p.Phe19815=)

Genes: TTN (titin; minus strand), TTN-AS1 (TTN antisense RNA 1; plus strand), LOC126806424 (CDK7 strongly-dependent group 2 enhancer GRCh37_chr2:179456337-179457536; plus strand). Cytogenetic location: 2q31.2.
Variant type: single nucleotide variant.
Coding change: c.59445C>T on transcript NM_001267550.2 (MANE Select); coding-DNA position 59445, C replaced by T.
Protein change: p.Phe19815=; no amino-acid change (phenylalanine 19815 retained).
Molecular consequence: synonymous variant.
Genome position (GRCh38, 1-based): chr2:178,592,560, G>A on the plus strand (C>T on the coding strand, the complement: TTN is on the minus strand). VCF-style: chr2-178592560-G-A. GRCh37 (hg19) VCF-style: chr2-179457287-G-A.
Other names: c.54522C>T, p.Phe18174= (NM_001256850.1); c.32250C>T, p.Phe10750= (NM_003319.4); c.51741C>T, p.Phe17247= (NM_133378.4); c.32625C>T, p.Phe10875= (NM_133432.3); c.32826C>T, p.Phe10942= (NM_133437.4).
Identifiers: ClinVar variation 1589404 (VCV001589404.24), dbSNP rs1328852709, ClinGen allele CA430267166.